The following is an entry in ClinVar:

NM_004530.6(MMP2):c.665G>A (p.Arg222His)

Gene: MMP2 (matrix metallopeptidase 2; plus strand). Cytogenetic location: 16q12.2.
Variant type: single nucleotide variant.
Coding change: c.665G>A on transcript NM_004530.6 (MANE Select); coding-DNA position 665, G replaced by A.
Protein change: p.Arg222His; replaces arginine 222 with histidine.
Molecular consequence: missense variant.
Genome position (GRCh38, 1-based): chr16:55,485,610, G>A. VCF-style: chr16-55485610-G-A. GRCh37 (hg19) VCF-style: chr16-55519522-G-A.
Other names: c.515G>A, p.Arg172His (NM_001127891.3); c.437G>A, p.Arg146His (NM_001302508.1, NM_001302509.2, NM_001302510.2); short protein forms R146H, R172H, R222H.
Identifiers: ClinVar variation 1055811 (VCV001055811.7), dbSNP rs368282133, ClinGen allele CA8060164.
Genomic context (GRCh38, chr16:55,485,610, plus strand): 5'-TCTCCAAAGAAGGCCTGGAGAAGTCCAACCTCCCCCTTCCATGTCACTCTTTAGTGGTCC[G>A]TGTGAAGTATGGGAACGCCGATGGGGAGTACTGCAAGTTCCCCTTCTTGTTCAATGGCAA-3'
Protein context (NP_004521.1, residues 212-232): LWTLGEGQVV[Arg222His]VKYGNADGEY

ClinVar aggregate classification (germline): Uncertain significance (1 of 4 stars; one submission).

Allele frequency attached by ClinVar (database versions not stated): ExAC 0.00006; gnomAD exomes 0.00006; gnomAD 0.00007; ESP Exome Variant Server 0.00008; TOPMed 0.00013.
gnomAD v4.1: 88 of 1,614,000 alleles (0.0055%); highest among the groups gnomAD compares: African/African-American, 0.048%; no homozygotes.

Submission:

Labcorp Genetics (formerly Invitae), Labcorp
Classification: Uncertain significance. Last evaluated: 2022-08-15. Review status: criteria provided, single submitter. Criteria: Invitae Variant Classification Sherloc (09022015). Collection method: clinical testing. Allele origin: germline.
Comment: This sequence change replaces arginine, which is basic and polar, with histidine, which is basic and polar, at codon 222 of the MMP2 protein (p.Arg222His). This variant is present in population databases (rs368282133, gnomAD 0.04%). This missense change has been observed in individual(s) with clinical features of non-syndromic mitral valve prolapse (PMID: 29371517). ClinVar contains an entry for this variant (Variation ID: 1055811). Algorithms developed to predict the effect of missense changes on protein structure and function are either unavailable or do not agree on the potential impact of this missense change (SIFT: "Tolerated"; PolyPhen-2: "Possibly Damaging"; Align-GVGD: "Class C0"). In summary, the available evidence is currently insufficient to determine the role of this variant in disease. Therefore, it has been classified as a Variant of Uncertain Significance.

Literature cited by the submitters: PubMed 29371517.